The following is an entry in ClinVar:

NM_206933.4(USH2A):c.6632G>T (p.Gly2211Val)

Gene: USH2A (usherin; minus strand). Cytogenetic location: 1q41.
Variant type: single nucleotide variant.
Coding change: c.6632G>T on transcript NM_206933.4 (MANE Select); coding-DNA position 6632, G replaced by T.
Protein change: p.Gly2211Val; replaces glycine 2211 with valine.
Molecular consequence: missense variant.
Genome position (GRCh38, 1-based): chr1:215,998,912, C>A on the plus strand (G>T on the coding strand, the complement: USH2A is on the minus strand). VCF-style: chr1-215998912-C-A. GRCh37 (hg19) VCF-style: chr1-216172254-C-A.
Other names: short protein forms G2211V.
Identifiers: ClinVar variation 2065620 (VCV002065620.4), dbSNP rs779519736, ClinGen allele CA1395087.

ClinVar aggregate classification (germline): Uncertain significance. Review status: criteria provided, multiple submitters, no conflicts (2 of 4 stars). 2 submissions from 2 submitters: Uncertain significance (2). Last evaluated 2024-11-08.

Allele frequency attached by ClinVar (database versions not stated): TOPMed 0.00003; gnomAD exomes 0.00004; ExAC 0.00005; gnomAD 0.00006.
gnomAD v4.1: 61 of 1,612,830 alleles (0.0038%); highest among the groups gnomAD compares: Non-Finnish European, 0.005%; no homozygotes.

Submissions (2):

Blueprint Genetics
Classification: Uncertain significance. Last evaluated: 2024-11-08. Review status: criteria provided, single submitter. Criteria: ACMG Guidelines, 2015. Collection method: clinical testing. Allele origin: germline.

Labcorp Genetics (formerly Invitae), Labcorp
Classification: Uncertain significance. Last evaluated: 2024-06-17. Review status: criteria provided, single submitter. Criteria: Invitae Variant Classification Sherloc (09022015). Collection method: clinical testing. Allele origin: germline.
Comment: This sequence change replaces glycine, which is neutral and non-polar, with valine, which is neutral and non-polar, at codon 2211 of the USH2A protein (p.Gly2211Val). This variant is present in population databases (rs779519736, gnomAD 0.006%). This variant has not been reported in the literature in individuals affected with USH2A-related conditions. ClinVar contains an entry for this variant (Variation ID: 2065620). Advanced modeling of protein sequence and biophysical properties (such as structural, functional, and spatial information, amino acid conservation, physicochemical variation, residue mobility, and thermodynamic stability) has been performed at Invitae for this missense variant, however the output from this modeling did not meet the statistical confidence thresholds required to predict the impact of this variant on USH2A protein function. In summary, the available evidence is currently insufficient to determine the role of this variant in disease. Therefore, it has been classified as a Variant of Uncertain Significance.